The following is an entry in ClinVar:

NM_006493.4(CLN5):c.755T>C (p.Ile252Thr)

Gene: CLN5 (CLN5 lysosomal BMP synthase; plus strand). Cytogenetic location: 13q22.3.
Variant type: single nucleotide variant.
Coding change: c.755T>C on transcript NM_006493.4 (MANE Select); coding-DNA position 755, T replaced by C.
Protein change: p.Ile252Thr; replaces isoleucine 252 with threonine.
Molecular consequence: missense variant. On other transcripts: 3 prime UTR variant (1).
Genome position (GRCh38, 1-based): chr13:77,000,647, T>C. VCF-style: chr13-77000647-T-C. GRCh37 (hg19) VCF-style: chr13-77574782-T-C.
Other names: c.*204T>C (NM_001366624.2); short protein forms I252T.
Identifiers: ClinVar variation 937663 (VCV000937663.10), dbSNP rs1439976492, ClinGen allele CA388312887.

ClinVar aggregate classification (germline): Uncertain significance. Review status: criteria provided, single submitter (1 of 4 stars). 2 submissions from 2 submitters: Uncertain significance (1). 1 of the submissions does not count toward it. Last evaluated 2022-01-01.

Conditions:
Neuronal ceroid lipofuscinosis. Also called: Neuronal Ceroid Lipofuscinoses. Identifiers: Orphanet 216, Orphanet 79263, MedGen C0027877, MONDO:0016295. Disease mechanism: loss of function.

Allele frequency attached by ClinVar (database versions not stated): gnomAD 0.00001; gnomAD exomes 0.00001.

Submissions (2):

Labcorp Genetics (formerly Invitae), Labcorp
Classification: Uncertain significance for Neuronal ceroid lipofuscinosis. Last evaluated: 2022-01-01. Review status: criteria provided, single submitter. Criteria: Invitae Variant Classification Sherloc (09022015). Collection method: clinical testing. Allele origin: germline.
Comment: This sequence change replaces isoleucine, which is neutral and non-polar, with threonine, which is neutral and polar, at codon 301 of the CLN5 protein (p.Ile301Thr). This variant is present in population databases (no rsID available, gnomAD 0.008%). This variant has not been reported in the literature in individuals affected with CLN5-related conditions. ClinVar contains an entry for this variant (Variation ID: 937663). Algorithms developed to predict the effect of missense changes on protein structure and function output the following: SIFT: "Tolerated"; PolyPhen-2: "Benign"; Align-GVGD: "Class C0". The threonine amino acid residue is found in multiple mammalian species, which suggests that this missense change does not adversely affect protein function. In summary, the available evidence is currently insufficient to determine the role of this variant in disease. Therefore, it has been classified as a Variant of Uncertain Significance.

Natera, Inc.
Classification: Uncertain significance for Neuronal ceroid lipofuscinosis. Last evaluated: 2020-04-06. Review status: no assertion criteria provided. Collection method: clinical testing. Allele origin: germline. Not counted in ClinVar's aggregate classification.